The following is an entry in ClinVar:

ClinVar aggregate classification (germline): Uncertain significance (1 of 4 stars; one submission).

Conditions:
Mucopolysaccharidosis, MPS-III-C (MPS3C). Also called: MPS IIIC (Sanfilippo Syndrome Type C); MUCOPOLYSACCHARIDOSIS, TYPE IIIC; Mucopolysaccharidosis type IIIC (Sanfilippo C); mucopolysaccharidosis type 3C; SANFILIPPO SYNDROME C; MPS III C. Identifiers: Orphanet 581, Orphanet 79271, MedGen C0086649, MONDO:0009657, OMIM 252930.
Retinitis pigmentosa 73 (RP73). Identifiers: Orphanet 791, MedGen C4225287, MONDO:0014687, OMIM 616544.

Allele frequency attached by ClinVar (database versions not stated): gnomAD exomes below 0.00001; TOPMed below 0.00001; gnomAD 0.00001.
gnomAD v4.1: 3 of 1,610,090 alleles (0.00019%); highest among the groups gnomAD compares: Non-Finnish European, 0.00025%; no homozygotes.

Submission:

Labcorp Genetics (formerly Invitae), Labcorp
Classification: Uncertain significance for Retinitis pigmentosa 73; Mucopolysaccharidosis, MPS-III-C. Last evaluated: 2024-12-16. Review status: criteria provided, single submitter. Criteria: Invitae Variant Classification Sherloc (09022015). Collection method: clinical testing. Allele origin: germline.
Comment: This sequence change replaces leucine, which is neutral and non-polar, with phenylalanine, which is neutral and non-polar, at codon 222 of the HGSNAT protein (p.Leu222Phe). This variant is not present in population databases (gnomAD no frequency). This variant has not been reported in the literature in individuals affected with HGSNAT-related conditions. ClinVar contains an entry for this variant (Variation ID: 1047232). Invitae Evidence Modeling of protein sequence and biophysical properties (such as structural, functional, and spatial information, amino acid conservation, physicochemical variation, residue mobility, and thermodynamic stability) indicates that this missense variant is not expected to disrupt HGSNAT protein function with a negative predictive value of 95%. In summary, the available evidence is currently insufficient to determine the role of this variant in disease. Therefore, it has been classified as a Variant of Uncertain Significance.

NM_152419.3(HGSNAT):c.664C>T (p.Leu222Phe)

Gene: HGSNAT (heparan-alpha-glucosaminide N-acetyltransferase; plus strand). Cytogenetic location: 8p11.21.
Variant type: single nucleotide variant.
Coding change: c.664C>T on transcript NM_152419.3 (MANE Select); coding-DNA position 664, C replaced by T.
Protein change: p.Leu222Phe; replaces leucine 222 with phenylalanine.
Molecular consequence: missense variant. On other transcripts: 5 prime UTR variant (1).
Genome position (GRCh38, 1-based): chr8:43,170,615, C>T. VCF-style: chr8-43170615-C-T. GRCh37 (hg19) VCF-style: chr8-43025758-C-T.
Other names: c.664C>T, p.Leu222Phe (NM_001363227.2, NM_001363228.2); c.-170C>T (NM_001363229.2); short protein forms L222F.
Identifiers: ClinVar variation 1047232 (VCV001047232.4), dbSNP rs1358373785, ClinGen allele CA371116119.